The following is an entry in ClinVar:

ClinVar aggregate classification (germline): Uncertain significance. Review status: criteria provided, multiple submitters, no conflicts (2 of 4 stars). 2 submissions from 2 submitters: Uncertain significance (2). Last evaluated 2025-03-27.

Conditions:
Cardiovascular phenotype. Identifiers: MedGen CN230736.
Dilated cardiomyopathy 1DD (CMD1DD). Identifiers: Orphanet 154, MedGen C2750995, MONDO:0013168, OMIM 613172.

Submissions (2):

Labcorp Genetics (formerly Invitae), Labcorp
Classification: Uncertain significance for Dilated cardiomyopathy 1DD. Last evaluated: 2025-03-27. Review status: criteria provided, single submitter. Criteria: Invitae Variant Classification Sherloc (09022015). Collection method: clinical testing. Allele origin: germline.
Comment: This sequence change replaces glutamic acid, which is acidic and polar, with glutamine, which is neutral and polar, at codon 299 of the RBM20 protein (p.Glu299Gln). This variant is not present in population databases (gnomAD no frequency). This variant has not been reported in the literature in individuals affected with RBM20-related conditions. ClinVar contains an entry for this variant (Variation ID: 3233221). Invitae Evidence Modeling of protein sequence and biophysical properties (such as structural, functional, and spatial information, amino acid conservation, physicochemical variation, residue mobility, and thermodynamic stability) indicates that this missense variant is not expected to disrupt RBM20 protein function with a negative predictive value of 95%. In summary, the available evidence is currently insufficient to determine the role of this variant in disease. Therefore, it has been classified as a Variant of Uncertain Significance.

Ambry Genetics
Classification: Uncertain significance for Cardiovascular phenotype. Last evaluated: 2023-11-08. Review status: criteria provided, single submitter. Criteria: Ambry Variant Classification Scheme 2023. Collection method: clinical testing. Allele origin: germline.
Comment: The p.E299Q variant (also known as c.895G>C), located in coding exon 2 of the RBM20 gene, results from a G to C substitution at nucleotide position 895. The glutamic acid at codon 299 is replaced by glutamine, an amino acid with highly similar properties. This amino acid position is conserved. In addition, this alteration is predicted to be tolerated by in silico analysis. Since supporting evidence is limited at this time, the clinical significance of this alteration remains unclear.

NM_001134363.3(RBM20):c.895G>C (p.Glu299Gln)

Gene: RBM20 (RNA binding motif protein 20; plus strand). Cytogenetic location: 10q25.2.
Variant type: single nucleotide variant.
Coding change: c.895G>C on transcript NM_001134363.3 (MANE Select); coding-DNA position 895, G replaced by C.
Protein change: p.Glu299Gln; replaces glutamic acid 299 with glutamine.
Molecular consequence: missense variant.
Genome position (GRCh38, 1-based): chr10:110,781,504, G>C. VCF-style: chr10-110781504-G-C. GRCh37 (hg19) VCF-style: chr10-112541262-G-C.
Other names: short protein forms E299Q.
Identifiers: ClinVar variation 3233221 (VCV003233221.2), dbSNP rs1844347196, ClinGen allele CA378384306.